The following is an entry in ClinVar:

ClinVar aggregate classification (germline): Pathogenic (1 of 4 stars; one submission).

Conditions:
Primary ciliary dyskinesia. Also called: Ciliary dyskinesia. Identifiers: Orphanet 244, MedGen C0008780, MONDO:0016575, HP:0012265.

Submission:

Labcorp Genetics (formerly Invitae), Labcorp
Classification: Pathogenic for Primary ciliary dyskinesia. Last evaluated: 2022-10-20. Review status: criteria provided, single submitter. Criteria: Invitae Variant Classification Sherloc (09022015). Collection method: clinical testing. Allele origin: germline.
Comment: For these reasons, this variant has been classified as Pathogenic. This variant disrupts a region of the RPGR (ORF15) protein in which other variant(s) (p.Leu1130Lysfs*13) have been determined to be pathogenic (PMID: 22264887; Invitae). This suggests that this is a clinically significant region of the protein, and that variants that disrupt it are likely to be disease-causing. This variant has not been reported in the literature in individuals affected with RPGR (ORF15)-related conditions. This variant is not present in population databases (gnomAD no frequency). This sequence change creates a premature translational stop signal (p.Glu809Argfs*26) in the RPGR (ORF15) gene. While this is not anticipated to result in nonsense mediated decay, it is expected to disrupt the last 344 amino acid(s) of the RPGR (ORF15) protein.

Literature cited by the submitters: PubMed 22264887.

NM_001034853.2(RPGR):c.2424dup (p.Glu809fs)

Gene: RPGR (retinitis pigmentosa GTPase regulator; minus strand). Cytogenetic location: Xp11.4.
Variant type: Duplication.
Coding change: c.2424dup on transcript NM_001034853.2 (MANE Select); coding-DNA position 2424, one base duplicated (A; older notation c.2424dupA).
Protein change: p.Glu809fs; shifts the reading frame from glutamic acid 809.
Molecular consequence: frameshift variant. On other transcripts: intron variant (8).
Genome position (GRCh38, 1-based): chrX:38,286,575, T duplicated on the plus strand (A on the coding strand, the reverse complement: RPGR is on the minus strand); the first of 5 consecutive T bases (chrX:38,286,575-38,286,579); duplicating any one gives the same sequence. VCF-style (leftmost placement, unchanged base first): chrX-38286574-C-CT. GRCh37 (hg19) VCF-style: chrX-38145827-C-CT.
Other names: c.1569+4384dup (NM_001367249.1, NM_001367250.1); c.1902+519dup (NM_001367245.1); c.1386+4384dup (NM_001367251.1); c.1719+519dup (NM_001367246.1); c.1572+4384dup (NM_001367247.1); c.1905+519dup (NM_000328.3); c.1602+4384dup (NM_001367248.1); short protein forms E809fs.
Identifiers: ClinVar variation 2809164 (VCV002809164.3), dbSNP rs2519791125, ClinGen allele CA2739273391.